The following is an entry in ClinVar:

NM_005263.5(GFI1):c.763T>C (p.Tyr255His)

Gene: GFI1 (growth factor independent 1 transcriptional repressor; minus strand). Cytogenetic location: 1p22.1.
Variant type: single nucleotide variant.
Coding change: c.763T>C on transcript NM_005263.5 (MANE Select); coding-DNA position 763, T replaced by C.
Protein change: p.Tyr255His; replaces tyrosine 255 with histidine.
Molecular consequence: missense variant.
Genome position (GRCh38, 1-based): chr1:92,480,624, A>G on the plus strand (T>C on the coding strand, the complement: GFI1 is on the minus strand). VCF-style: chr1-92480624-A-G. GRCh37 (hg19) VCF-style: chr1-92946181-A-G.
Other names: c.763T>C, p.Tyr255His (NM_001127215.3, NM_001127216.3); short protein forms Y255H.
Identifiers: ClinVar variation 4827129 (VCV004827129.1).
Genomic context (GRCh38, chr1:92,480,624, plus strand): 5'-CGCACGGCAGGCGAGGTGGTGAGCTCGGGAGCCTCACCTTGCTGCACTTGATGCACTTGT[A>G]GGAGCCGCCGCCCAGCAGCAGGCGGGTGCACAGCAGCTCCGACTCCACCTTGACGCCAGC-3'
Protein context (NP_005254.2, residues 245-265): CTRLLLGGGS[Tyr255His]KCIKCSKVFS

ClinVar aggregate classification (germline): Uncertain significance (1 of 4 stars; one submission).

gnomAD v4.1: 1 of 1,573,136 alleles (0.000064%); highest among the groups gnomAD compares: Non-Finnish European, 0.000086%; no homozygotes.

Submission:

Ambry Genetics
Classification: Uncertain significance. Last evaluated: 2026-02-25. Review status: criteria provided, single submitter. Criteria: Ambry Variant Classification Scheme 2023. Collection method: clinical testing. Allele origin: germline.
Comment: The p.Y255H variant (also known as c.763T>C), located in coding exon 3 of the GFI1 gene, results from a T to C substitution at nucleotide position 763. The tyrosine at codon 255 is replaced by histidine, an amino acid with similar properties. This amino acid position is conserved. In addition, this alteration is predicted to be tolerated by in silico analysis. Based on the available evidence, the clinical significance of this variant remains unclear.